The following is an entry in ClinVar:

ClinVar aggregate classification (germline): Uncertain significance (1 of 4 stars; one submission).

Conditions:
Atrioventricular septal defect 5 (AVSD5). Identifiers: MedGen C3280939, MONDO:0013769, OMIM 614474.

Allele frequency attached by ClinVar (database versions not stated): gnomAD exomes below 0.00001; TOPMed below 0.00001; ExAC 0.00001.

Submission:

Labcorp Genetics (formerly Invitae), Labcorp
Classification: Uncertain significance for Atrioventricular septal defect 5. Last evaluated: 2023-09-22. Review status: criteria provided, single submitter. Criteria: Invitae Variant Classification Sherloc (09022015). Collection method: clinical testing. Allele origin: germline.
Comment: This sequence change replaces serine, which is neutral and polar, with glycine, which is neutral and non-polar, at codon 552 of the GATA6 protein (p.Ser552Gly). This variant is present in population databases (rs747690300, gnomAD 0.0009%). This variant has not been reported in the literature in individuals affected with GATA6-related conditions. ClinVar contains an entry for this variant (Variation ID: 1007945). Advanced modeling of protein sequence and biophysical properties (such as structural, functional, and spatial information, amino acid conservation, physicochemical variation, residue mobility, and thermodynamic stability) performed at Invitae indicates that this missense variant is not expected to disrupt GATA6 protein function. In summary, the available evidence is currently insufficient to determine the role of this variant in disease. Therefore, it has been classified as a Variant of Uncertain Significance.

NM_005257.6(GATA6):c.1654A>G (p.Ser552Gly)

Gene: GATA6 (GATA binding protein 6; plus strand). Cytogenetic location: 18q11.2.
Variant type: single nucleotide variant.
Coding change: c.1654A>G on transcript NM_005257.6 (MANE Select); coding-DNA position 1654, A replaced by G.
Protein change: p.Ser552Gly; replaces serine 552 with glycine.
Molecular consequence: missense variant.
Genome position (GRCh38, 1-based): chr18:22,200,689, A>G. VCF-style: chr18-22200689-A-G. GRCh37 (hg19) VCF-style: chr18-19780652-A-G.
Other names: short protein forms S552G.
Identifiers: ClinVar variation 1007945 (VCV001007945.8), dbSNP rs747690300, ClinGen allele CA8909063.